The following is an entry in ClinVar:

NM_001184.4(ATR):c.3949A>G (p.Lys1317Glu)

Gene: ATR (ATR serine/threonine kinase; minus strand). Cytogenetic location: 3q23.
Variant type: single nucleotide variant.
Coding change: c.3949A>G on transcript NM_001184.4 (MANE Select); coding-DNA position 3949, A replaced by G.
Protein change: p.Lys1317Glu; replaces lysine 1317 with glutamic acid.
Molecular consequence: missense variant.
Genome position (GRCh38, 1-based): chr3:142,524,196, T>C on the plus strand (A>G on the coding strand, the complement: ATR is on the minus strand). VCF-style: chr3-142524196-T-C. GRCh37 (hg19) VCF-style: chr3-142243038-T-C.
Other names: c.3757A>G, p.Lys1253Glu (NM_001354579.2); short protein forms K1253E, K1317E.
Identifiers: ClinVar variation 3331973 (VCV003331973.1).
Genomic context (GRCh38, chr3:142,524,196, plus strand): 5'-TCACCAACTGTGAGATAATAGGTTCTACTGTTTCACTGTCTGTTGCATACTTTATCAGTT[T>C]TTCCTAAAATAAAAGTAGAAAGAAAATTTATACGTAATTTCTACAAACTAGTATGTTTTC-3'
Protein context (NP_001175.2, residues 1307-1327): LKETLYKNQE[Lys1317Glu]LIKYATDSET

ClinVar aggregate classification (germline): Uncertain significance (1 of 4 stars; one submission).

Conditions:
Inborn genetic diseases. Identifiers: MedGen C0950123, MeSH D030342.

Submission:

Ambry Genetics
Classification: Uncertain significance for Inborn genetic diseases. Last evaluated: 2024-05-18. Review status: criteria provided, single submitter. Criteria: Ambry Variant Classification Scheme 2023. Collection method: clinical testing. Allele origin: germline.
Comment: The p.K1317E variant (also known as c.3949A>G), located in coding exon 22 of the ATR gene, results from an A to G substitution at nucleotide position 3949. The lysine at codon 1317 is replaced by glutamic acid, an amino acid with similar properties. This amino acid position is conserved. In addition, this alteration is predicted to be tolerated by in silico analysis. Based on the available evidence, the clinical significance of this variant remains unclear.